The following is an entry in ClinVar:

ClinVar aggregate classification (germline): Uncertain significance (1 of 4 stars; one submission).

Conditions:
Autosomal dominant limb-girdle muscular dystrophy type 1G (LGMDD3). Also called: Limb-girdle muscular dystrophy, type 1G; MUSCULAR DYSTROPHY, LIMB-GIRDLE, AUTOSOMAL DOMINANT 3. Identifiers: Orphanet 55596, MedGen C1836765, MONDO:0012193, OMIM 609115.

Submission:

Labcorp Genetics (formerly Invitae), Labcorp
Classification: Uncertain significance for Autosomal dominant limb-girdle muscular dystrophy type 1G. Last evaluated: 2022-04-15. Review status: criteria provided, single submitter. Criteria: Invitae Variant Classification Sherloc (09022015). Collection method: clinical testing. Allele origin: germline.
Comment: In summary, the available evidence is currently insufficient to determine the role of this variant in disease. Therefore, it has been classified as a Variant of Uncertain Significance. This sequence change creates a premature translational stop signal (p.Thr270Metfs*17) in the HNRNPDL gene. It is expected to result in an absent or disrupted protein product. However, the current clinical and genetic evidence is not sufficient to establish whether loss-of-function variants in HNRNPDL cause disease. This variant is not present in population databases (gnomAD no frequency). This premature translational stop signal has been observed in individual(s) with clinical features of HNRNPDL-related conditions (Invitae).

NM_031372.4(HNRNPDL):c.809_812del (p.Thr270fs)

Gene: HNRNPDL (heterogeneous nuclear ribonucleoprotein D like; minus strand). Cytogenetic location: 4q21.22.
Variant type: Deletion.
Coding change: c.809_812del on transcript NM_031372.4 (MANE Select); coding-DNA positions 809 to 812, 4 bases deleted (CAAA; older notation c.809_812delCAAA).
Protein change: p.Thr270fs; shifts the reading frame from threonine 270.
Molecular consequence: frameshift variant. On other transcripts: non-coding transcript variant (1).
Genome position (GRCh38, 1-based): chr4:82,427,527-82,427,530, TTTG deleted on the plus strand (CAAA on the coding strand, the reverse complement: HNRNPDL is on the minus strand); deleting any 4 consecutive bases within chr4:82,427,527-82,427,533 gives the same sequence; the c. name uses the placement nearest the transcript's 3' end. VCF-style (leftmost placement, unchanged base first): chr4-82427526-ATTTG-A. GRCh37 (hg19) VCF-style: chr4-83348679-ATTTG-A.
Other names: c.809_812del, p.Thr270fs (NM_001207000.1); short protein forms T270fs.
Identifiers: ClinVar variation 2126358 (VCV002126358.4), dbSNP rs2530014977, ClinGen allele CA2580071832.
Genomic context (GRCh38, chr4:82,427,526, plus strand): 5'-TAACAATTTTTTTACTGGCTCTTCATCAGTATATGTGATAAAACAAAATCCTCTTCTTTC[ATTTG>A]TTTTTGTATCCATGGGAAGTTCAATATTTTCAATCTGAAATCGAGATGCACACTCAACGT-3'